The following is an entry in ClinVar:

NM_000179.3(MSH6):c.2724A>G (p.Glu908=)

Gene: MSH6 (mutS homolog 6; plus strand). Cytogenetic location: 2p16.3.
Variant type: single nucleotide variant.
Coding change: c.2724A>G on transcript NM_000179.3 (MANE Select); coding-DNA position 2724, A replaced by G.
Protein change: p.Glu908=; no amino-acid change (glutamic acid 908 retained).
Molecular consequence: synonymous variant.
Genome position (GRCh38, 1-based): chr2:47,800,707, A>G. VCF-style: chr2-47800707-A-G. GRCh37 (hg19) VCF-style: chr2-48027846-A-G.
Other names: p.E908E:GAA>GAG; p.Glu908=; c.2334A>G, p.Glu778= (NM_001281492.2); c.1818A>G, p.Glu606= (NM_001281493.2, NM_001281494.2).
Identifiers: ClinVar variation 138259 (VCV000138259.29), dbSNP rs35389622, ClinGen allele CA010807.

ClinVar aggregate classification (germline): Benign/Likely benign. Review status: criteria provided, multiple submitters, no conflicts (2 of 4 stars). 12 submissions from 12 submitters: Benign (8); Likely benign (4). Last evaluated 2026-01-08.

Conditions:
Hereditary nonpolyposis colorectal neoplasms. Identifiers: MedGen C0009405, MeSH D003123.
Hereditary cancer-predisposing syndrome. Also called: Neoplastic Syndromes, Hereditary; Hereditary Cancer Syndrome; Tumor predisposition; Hereditary neoplastic syndrome. Identifiers: Orphanet 140162, MedGen C0027672, MeSH D009386, MONDO:0015356.
Lynch syndrome. Identifiers: Orphanet 144, MedGen C4552100, MONDO:0005835. Disease mechanism: loss of function.
Lynch syndrome 5 (LYNCH5). Also called: Colorectal cancer, hereditary nonpolyposis, type 5; Hereditary non-polyposis colorectal cancer, type 5. Identifiers: Orphanet 144, MedGen C1833477, MONDO:0013710, OMIM 614350. Disease mechanism: loss of function.

Allele frequency attached by ClinVar (database versions not stated): gnomAD exomes 0.00003 and 0.00017; gnomAD 0.00005 and 0.00006; TOPMed 0.00009; ExAC 0.00020.
gnomAD v4.1: 56 of 1,614,058 alleles (0.0035%); highest among the groups gnomAD compares: Admixed American, 0.085%; no homozygotes.

Submissions (12):

Labcorp Genetics (formerly Invitae), Labcorp
Classification: Benign for Hereditary nonpolyposis colorectal neoplasms. Last evaluated: 2026-01-08. Review status: criteria provided, single submitter. Criteria: Invitae Variant Classification Sherloc (09022015). Collection method: clinical testing. Allele origin: germline.

Mayo Clinic Laboratories, Mayo Clinic
Classification: Likely benign. Last evaluated: 2025-10-30. Review status: criteria provided, single submitter. Criteria: ACMG Guidelines, 2015. Collection method: clinical testing. Allele origin: germline. Observed: 1 variant allele.
Comment: BS1, BP4, BP7

Myriad Genetics, Inc.
Classification: Benign for Lynch syndrome 5. Last evaluated: 2025-01-02. Review status: criteria provided, single submitter. Criteria: Myriad Autosomal Dominant, Autosomal Recessive and X-Linked Classification Criteria (2023). Collection method: clinical testing. Allele origin: unknown.
Comment: This variant is considered benign. This variant is a silent/synonymous amino acid change and it is not expected to impact splicing.

All of Us Research Program, National Institutes of Health
Classification: Benign for Lynch syndrome. Last evaluated: 2024-02-05. Review status: criteria provided, single submitter. Criteria: ACMG Guidelines, 2015. Collection method: clinical testing. Allele origin: germline. Inheritance: Autosomal dominant inheritance. Observed: 19 variant alleles, 19 heterozygotes.
Comment: This study involves interpretation of variants in research participants for the purpose of population health screening. Participant phenotype was not available at the time of variant classification. Additional details can be found in publication PMID: 35346344, PMCID: PMC8962531

KCCC/NGS Laboratory, Kuwait Cancer Control Center
Classification: Benign for Lynch syndrome 5. Last evaluated: 2023-07-07. Review status: criteria provided, single submitter. Criteria: ACMG Guidelines, 2015. Collection method: clinical testing. Allele origin: germline. Affected: yes.

Sema4
Classification: Likely benign for Hereditary cancer-predisposing syndrome. Last evaluated: 2022-03-02. Review status: criteria provided, single submitter. Criteria: Sema4 Curation Guidelines. Collection method: curation. Allele origin: germline.

Women's Health and Genetics/Laboratory Corporation of America, LabCorp
Classification: Benign. Last evaluated: 2020-12-17. Review status: criteria provided, single submitter. Criteria: LabCorp Variant Classification Summary - May 2015. Collection method: clinical testing. Allele origin: germline.

Genetic Services Laboratory, University of Chicago
Classification: Likely benign. Last evaluated: 2020-03-05. Review status: criteria provided, single submitter. Criteria: ACMG Guidelines, 2015. Collection method: clinical testing. Allele origin: germline. Affected: no.

Quest Diagnostics Nichols Institute San Juan Capistrano
Classification: Benign. Last evaluated: 2019-08-20. Review status: criteria provided, single submitter. Criteria: Quest Diagnostics criteria. Collection method: clinical testing. Allele origin: germline.

Color Diagnostics, LLC DBA Color Health
Classification: Benign for Hereditary cancer-predisposing syndrome. Last evaluated: 2016-05-11. Review status: criteria provided, single submitter. Criteria: ACMG Guidelines, 2015. Collection method: clinical testing. Allele origin: germline.

Ambry Genetics
Classification: Likely benign for Hereditary cancer-predisposing syndrome. Last evaluated: 2014-08-28. Review status: criteria provided, single submitter. Criteria: Ambry Variant Classification Scheme 2023. Collection method: clinical testing. Allele origin: germline.

GeneDx
Classification: Benign. Last evaluated: 2014-02-18. Review status: criteria provided, single submitter. Criteria: GeneDx Variant Classification (06012015). Collection method: clinical testing. Allele origin: germline. Affected: yes.
Comment: This variant is considered likely benign or benign based on one or more of the following criteria: it is a conservative change, it occurs at a poorly conserved position in the protein, it is predicted to be benign by multiple in silico algorithms, and/or has population frequency not consistent with disease.